The following is an entry in ClinVar:

ClinVar aggregate classification (germline): Uncertain significance. Review status: criteria provided, multiple submitters, no conflicts (2 of 4 stars). 2 submissions from 2 submitters: Uncertain significance (2). Last evaluated 2025-11-24.

Conditions:
Autosomal recessive limb-girdle muscular dystrophy type 2A (LGMDR1). Also called: LEYDEN-MOEBIUS MUSCULAR DYSTROPHY; MUSCULAR DYSTROPHY, PELVOFEMORAL; Limb-girdle muscular dystrophy, type 2A; Calpainopathy; Muscular dystrophy, limb-girdle, type 2A, Amish. Identifiers: Orphanet 267, MedGen C1869123, MONDO:0009675, OMIM 253600. Disease mechanism: loss of function.
CAPN3-related disorder. Also called: CAPN3-related condition; CAPN3-related disorders. Identifiers: MedGen CN239245.

gnomAD v4.1: 5 of 1,613,996 alleles (0.00031%); highest among the groups gnomAD compares: Admixed American, 0.0017%; no homozygotes.

Submissions (2):

Myriad Genetics, Inc.
Classification: Uncertain significance for Autosomal recessive limb-girdle muscular dystrophy type 2A. Last evaluated: 2025-11-24. Review status: criteria provided, single submitter. Criteria: Myriad Autosomal Dominant, Autosomal Recessive and X-Linked Classification Criteria (2023). Collection method: clinical testing. Allele origin: unknown.
Comment: NM_000070.2(CAPN3):c.1421C>T(S474L) is a missense variant classified as a variant of uncertain significance in the context of calpainopathy. S474L has been observed in a case with relevant disease (PMID: 39678382). Relevant functional assessments of this variant are not available in the literature. S474L has been observed in referenced population frequency databases. In summary, there is insufficient evidence to classify NM_000070.2(CAPN3):c.1421C>T(S474L) as pathogenic or benign. Please note: this variant was assessed in the context of healthy population screening.

PreventionGenetics, part of Exact Sciences
Classification: Uncertain significance for CAPN3-related condition. Last evaluated: 2025-04-17. Review status: criteria provided, single submitter. Criteria: ACMG Guidelines, 2015. Collection method: clinical testing. Allele origin: germline.
Comment: The CAPN3 c.1421C>T variant is predicted to result in the amino acid substitution p.Ser474Leu. To our knowledge, this variant has not been reported in the literature. This variant is reported in 0.0033% of alleles in individuals of South Asian descent in gnomAD. At this time, the clinical significance of this variant is uncertain due to the absence of conclusive functional and genetic evidence.

Literature cited by the submitters: PubMed 39678382 (cited by Myriad Genetics, Inc.).

NM_000070.3(CAPN3):c.1421C>T (p.Ser474Leu)

Gene: CAPN3 (calpain 3; plus strand). Cytogenetic location: 15q15.1.
Variant type: single nucleotide variant.
Coding change: c.1421C>T on transcript NM_000070.3 (MANE Select); coding-DNA position 1421, C replaced by T.
Protein change: p.Ser474Leu; replaces serine 474 with leucine.
Molecular consequence: missense variant.
Genome position (GRCh38, 1-based): chr15:42,401,707, C>T. VCF-style: chr15-42401707-C-T. GRCh37 (hg19) VCF-style: chr15-42693905-C-T.
Other names: c.1421C>T, p.Ser474Leu (NM_024344.2); c.1277C>T, p.Ser426Leu (NM_173087.2); short protein forms S426L, S474L.
Identifiers: ClinVar variation 4987751 (VCV004987751.1).